The following is an entry in ClinVar:

ClinVar aggregate classification (germline): Uncertain significance (1 of 4 stars; one submission).

Conditions:
Alport syndrome. Also called: Hemorrhagic familial nephritis; Hemorrhagic hereditary nephritis; Congenital hereditary hematuria. Identifiers: Orphanet 63, MedGen C1567741, MONDO:0018965.

gnomAD v4.1: 1 of 1,613,976 alleles (0.000062%); highest among the groups gnomAD compares: Non-Finnish European, 0.000085%; no homozygotes.

Submission:

Myriad Genetics, Inc.
Classification: Uncertain significance for Alport syndrome. Last evaluated: 2026-02-24. Review status: criteria provided, single submitter. Criteria: Myriad Autosomal Dominant, Autosomal Recessive and X-Linked Classification Criteria (2023). Collection method: clinical testing. Allele origin: unknown.
Comment: NM_000091.4(COL4A3):c.908G>T(G303V) is a missense variant classified as a variant of uncertain significance in the context of Alport syndrome, COL4A3-related. G303V has not been observed in cases with relevant disease. Relevant functional assessments of this variant are not available in the literature. G303V has not been observed in referenced population frequency databases. In summary, there is insufficient evidence to classify NM_000091.4(COL4A3):c.908G>T(G303V) as pathogenic or benign. Please note: this variant was assessed in the context of healthy population screening.

NM_000091.5(COL4A3):c.908G>T (p.Gly303Val)

Genes: COL4A3 (collagen type IV alpha 3 chain; plus strand), MFF-DT (MFF divergent transcript; minus strand). Cytogenetic location: 2q36.3.
Variant type: single nucleotide variant.
Coding change: c.908G>T on transcript NM_000091.5 (MANE Select); coding-DNA position 908, G replaced by T.
Protein change: p.Gly303Val; replaces glycine 303 with valine.
Molecular consequence: missense variant.
Genome position (GRCh38, 1-based): chr2:227,256,045, G>T. VCF-style: chr2-227256045-G-T. GRCh37 (hg19) VCF-style: chr2-228120761-G-T.
Other names: short protein forms G303V.
Identifiers: ClinVar variation 5003935 (VCV005003935.1).